The following is an entry in ClinVar:

ClinVar aggregate classification (germline): Pathogenic (1 of 4 stars; one submission).

Conditions:
BAP1-related tumor predisposition syndrome (TPDS1). Also called: Tumor susceptibility linked to germline BAP1 mutations; BAP1 tumor predisposition syndrome; COMMON Syndrome; TUMOR PREDISPOSITION SYNDROME 1. Identifiers: Orphanet 289539, MedGen C3280492, MONDO:0013692, OMIM 614327.

Submission:

Labcorp Genetics (formerly Invitae), Labcorp
Classification: Pathogenic for BAP1-related tumor predisposition syndrome. Last evaluated: 2025-04-13. Review status: criteria provided, single submitter. Criteria: Invitae Variant Classification Sherloc (09022015). Collection method: clinical testing. Allele origin: germline.
Comment: This sequence change affects a donor splice site in intron 8 of the BAP1 gene. It is expected to disrupt RNA splicing. Variants that disrupt the donor or acceptor splice site typically lead to a loss of protein function (PMID: 16199547), and loss-of-function variants in BAP1 are known to be pathogenic (PMID: 21874000, 23684012). This variant is not present in population databases (gnomAD no frequency). Disruption of this splice site has been observed in individuals with BAP1-related cancer risk (PMID: 30975761; internal data). Algorithms developed to predict the effect of sequence changes on RNA splicing suggest that this variant may disrupt the consensus splice site. For these reasons, this variant has been classified as Pathogenic.

Literature cited by the submitters: PubMed 16199547; PubMed 21874000; PubMed 23684012; PubMed 30975761.

NM_004656.4(BAP1):c.659+2T>C

Gene: BAP1 (BRCA1 associated deubiquitinase 1; minus strand). Cytogenetic location: 3p21.1.
Variant type: single nucleotide variant.
Coding change: c.659+2T>C on transcript NM_004656.4 (MANE Select); the canonical splice donor site of the intron after coding-DNA position 659, T replaced by C.
Molecular consequence: splice donor variant.
Genome position (GRCh38, 1-based): chr3:52,406,827, A>G on the plus strand (T>C on the coding strand, the complement: BAP1 is on the minus strand). VCF-style: chr3-52406827-A-G. GRCh37 (hg19) VCF-style: chr3-52440843-A-G.
Other names: c.659+2T>C (NM_001410772.1).
Identifiers: ClinVar variation 4715711 (VCV004715711.1).